The following is an entry in ClinVar:

NM_000046.5(ARSB):c.475C>T (p.Arg159Cys)

Gene: ARSB (arylsulfatase B; minus strand). Cytogenetic location: 5q14.1.
Variant type: single nucleotide variant.
Coding change: c.475C>T on transcript NM_000046.5 (MANE Select); coding-DNA position 475, C replaced by T.
Protein change: p.Arg159Cys; replaces arginine 159 with cysteine.
Molecular consequence: missense variant.
Genome position (GRCh38, 1-based): chr5:78,969,030, G>A on the plus strand (C>T on the coding strand, the complement: ARSB is on the minus strand). VCF-style: chr5-78969030-G-A. GRCh37 (hg19) VCF-style: chr5-78264853-G-A.
Other names: c.475C>T, p.Arg159Cys (NM_198709.3); short protein forms R159C.
Identifiers: ClinVar variation 1195895 (VCV001195895.8), dbSNP rs202134230, ClinGen allele CA3318262.
Genomic context (GRCh38, chr5:78,969,030, plus strand): 5'-TCTAAGTTGTTAAAGAAACATGTGCATTTCCATTACCAAAGTAGGTATCAAATCCTCGGC[G>A]GGTTGGAAGGCATTCTTTCCGGTACATTCCCAGGTGCCATTTTCCGACCATATGGGTAGT-3'
Protein context (NP_000037.2, residues 149-169): GMYRKECLPT[Arg159Cys]RGFDTYFGYL

ClinVar aggregate classification (germline): Conflicting classifications of pathogenicity. Review status: criteria provided, conflicting classifications (1 of 4 stars). 5 submissions from 5 submitters: Uncertain significance (4); Likely benign (1). Last evaluated 2024-09-20.

Conditions:
Mucopolysaccharidosis type 6 (MPS6). Also called: MPS 6; Maroteaux Lamy syndrome; N-ACETYLGALACTOSAMINE-4-SULFATASE DEFICIENCY; ARSB DEFICIENCY; ARYLSULFATASE B DEFICIENCY; MPS VI. Identifiers: Orphanet 583, MedGen C0026709, MONDO:0009661, OMIM 253200.

Allele frequency attached by ClinVar (database versions not stated): TOPMed 0.00003; gnomAD 0.00005 and 0.00007; gnomAD exomes 0.00012; ExAC 0.00013; 1000 Genomes Project 30x 0.00031; 1000 Genomes Project 0.00040.
gnomAD v4.1: 160 of 1,614,130 alleles (0.0099%); highest among the groups gnomAD compares: Middle Eastern, 0.082%; no homozygotes.

Submissions (5):

3billion
Classification: Likely benign for Mucopolysaccharidosis type 6. Last evaluated: 2024-09-20. Review status: criteria provided, single submitter. Criteria: ACMG Guidelines, 2015. Collection method: clinical testing. Allele origin: germline. Affected: no.
Comment: The homozygous variant was found in patients diagnosed with another variant in a different gene, with no symptoms related to the gene containing the homozygous variant.

Blueprint Genetics
Classification: Uncertain significance. Last evaluated: 2024-06-21. Review status: criteria provided, single submitter. Criteria: ACMG Guidelines, 2015. Collection method: clinical testing. Allele origin: germline.

Labcorp Genetics (formerly Invitae), Labcorp
Classification: Uncertain significance for Mucopolysaccharidosis type 6. Last evaluated: 2022-11-01. Review status: criteria provided, single submitter. Criteria: Invitae Variant Classification Sherloc (09022015). Collection method: clinical testing. Allele origin: germline.
Comment: This sequence change replaces arginine, which is basic and polar, with cysteine, which is neutral and slightly polar, at codon 159 of the ARSB protein (p.Arg159Cys). This variant is present in population databases (rs202134230, gnomAD 0.05%). This variant has not been reported in the literature in individuals affected with ARSB-related conditions. ClinVar contains an entry for this variant (Variation ID: 1195895). Advanced modeling of protein sequence and biophysical properties (such as structural, functional, and spatial information, amino acid conservation, physicochemical variation, residue mobility, and thermodynamic stability) performed at Invitae indicates that this missense variant is expected to disrupt ARSB protein function. In summary, the available evidence is currently insufficient to determine the role of this variant in disease. Therefore, it has been classified as a Variant of Uncertain Significance.

Fulgent Genetics
Classification: Uncertain significance for Mucopolysaccharidosis type 6. Last evaluated: 2022-02-15. Review status: criteria provided, single submitter. Criteria: ACMG Guidelines, 2015. Collection method: clinical testing. Allele origin: unknown.

Genome-Nilou Lab
Classification: Uncertain significance for Mucopolysaccharidosis type 6. Last evaluated: 2021-07-14. Review status: criteria provided, single submitter. Criteria: ACMG Guidelines, 2015. Collection method: clinical testing. Allele origin: germline. Affected: no.